The following is an entry in ClinVar:

NM_020366.4(RPGRIP1):c.3539A>G (p.Asp1180Gly)

Gene: RPGRIP1 (RPGR interacting protein 1; plus strand). Cytogenetic location: 14q11.2.
Variant type: single nucleotide variant.
Coding change: c.3539A>G on transcript NM_020366.4 (MANE Select); coding-DNA position 3539, A replaced by G.
Protein change: p.Asp1180Gly; replaces aspartic acid 1180 with glycine.
Molecular consequence: missense variant.
Genome position (GRCh38, 1-based): chr14:21,345,119, A>G. VCF-style: chr14-21345119-A-G. GRCh37 (hg19) VCF-style: chr14-21813278-A-G.
Other names: c.1517A>G, p.Asp506Gly (NM_001377523.1, NM_001377950.1); c.2465A>G, p.Asp822Gly (NM_001377948.1); c.1625A>G, p.Asp542Gly (NM_001377949.1); c.1022A>G, p.Asp341Gly (NM_001377951.1); short protein forms D341G, D542G, D506G, D822G, D1180G.
Identifiers: ClinVar variation 1480224 (VCV001480224.6), dbSNP rs2139349759, ClinGen allele CA388857447.

ClinVar aggregate classification (germline): Uncertain significance (1 of 4 stars; one submission).

Conditions:
Leber congenital amaurosis 6 (LCA6). Identifiers: Orphanet 65, MedGen C1854260, MONDO:0013446, OMIM 613826.
Cone-rod dystrophy 13 (CORD13). Identifiers: Orphanet 1872, MedGen C2750720, MONDO:0011987, OMIM 608194.

Submission:

Labcorp Genetics (formerly Invitae), Labcorp
Classification: Uncertain significance for Leber congenital amaurosis 6; Cone-rod dystrophy 13. Last evaluated: 2024-02-24. Review status: criteria provided, single submitter. Criteria: Invitae Variant Classification Sherloc (09022015). Collection method: clinical testing. Allele origin: germline.
Comment: This sequence change replaces aspartic acid, which is acidic and polar, with glycine, which is neutral and non-polar, at codon 1180 of the RPGRIP1 protein (p.Asp1180Gly). This variant is not present in population databases (gnomAD no frequency). This variant has not been reported in the literature in individuals affected with RPGRIP1-related conditions. ClinVar contains an entry for this variant (Variation ID: 1480224). Advanced modeling of protein sequence and biophysical properties (such as structural, functional, and spatial information, amino acid conservation, physicochemical variation, residue mobility, and thermodynamic stability) performed at Invitae indicates that this missense variant is expected to disrupt RPGRIP1 protein function with a positive predictive value of 80%. In summary, the available evidence is currently insufficient to determine the role of this variant in disease. Therefore, it has been classified as a Variant of Uncertain Significance.